The following is an entry in ClinVar:

NM_003791.4(MBTPS1):c.1781_1782del (p.Glu594fs)

Gene: MBTPS1 (membrane bound transcription factor peptidase, site 1; minus strand). Cytogenetic location: 16q23.3.
Variant type: Microsatellite.
Coding change: c.1781_1782del on transcript NM_003791.4 (MANE Select); coding-DNA positions 1781 to 1782, 2 bases deleted (AG; older notation c.1781_1782delAG).
Protein change: p.Glu594fs; shifts the reading frame from glutamic acid 594.
Molecular consequence: frameshift variant.
Genome position (GRCh38, 1-based): chr16:84,070,588-84,070,589, CT deleted on the plus strand (AG on the coding strand, the reverse complement: MBTPS1 is on the minus strand); deleting any 2 consecutive bases within chr16:84,070,588-84,070,591 gives the same sequence; the c. name uses the placement nearest the transcript's 3' end. VCF-style (leftmost placement, unchanged base first): chr16-84070587-CCT-C. GRCh37 (hg19) VCF-style: chr16-84104192-CCT-C.
Other names: c.1781_1782delAG (NM_003791.3); short protein forms E594fs.
Identifiers: ClinVar variation 2185994 (VCV002185994.4), dbSNP rs777614151, ClinGen allele CA8201192.
Genomic context (GRCh38, chr16:84,070,587, plus strand): 5'-CCTCCCTGAAAGGTGATGTCAAACAGCTAAGAAAACAAGCCACTTTCCCGCATATCCCTA[CCT>C]CTGTCTCTGCTGGGGAAGCCACAGTGATCATGACATGGCCCTGAGCAATGCCTTCCCAGG-3'

ClinVar aggregate classification (germline): Pathogenic/Likely pathogenic. Review status: criteria provided, multiple submitters, no conflicts (2 of 4 stars). 2 submissions from 2 submitters: Pathogenic (1); Likely pathogenic (1). Last evaluated 2025-01-18.

Conditions:
MBTPS1-related disorder. Also called: MBTPS1-related condition.

Submissions (2):

PreventionGenetics, part of Exact Sciences
Classification: Likely pathogenic for MBTPS1-related condition. Last evaluated: 2025-01-18. Review status: criteria provided, single submitter. Criteria: ACMG Guidelines, 2015. Collection method: clinical testing. Allele origin: germline.
Comment: The MBTPS1 c.1781_1782delAG variant is predicted to result in a frameshift and premature protein termination (p.Glu594Valfs*16). To our knowledge, this variant has not been reported in the literature. This variant is reported in 0.018% of alleles in individuals of African descent in gnomAD. Frameshift variants in MBTPS1 are expected to be pathogenic. This variant is interpreted as likely pathogenic.

Labcorp Genetics (formerly Invitae), Labcorp
Classification: Pathogenic. Last evaluated: 2024-11-11. Review status: criteria provided, single submitter. Criteria: Invitae Variant Classification Sherloc (09022015). Collection method: clinical testing. Allele origin: germline.
Comment: This sequence change creates a premature translational stop signal (p.Glu594Valfs*16) in the MBTPS1 gene. It is expected to result in an absent or disrupted protein product. Loss-of-function variants in MBTPS1 are known to be pathogenic (PMID: 30046013). This variant is present in population databases (rs777614151, gnomAD 0.01%). This variant has not been reported in the literature in individuals affected with MBTPS1-related conditions. Algorithms developed to predict the effect of sequence changes on RNA splicing suggest that this variant may disrupt the consensus splice site. For these reasons, this variant has been classified as Pathogenic.

Literature cited by the submitters: PubMed 30046013 (cited by Labcorp Genetics (formerly Invitae), Labcorp).